The following is an entry in ClinVar:

NM_020843.4(SCAPER):c.4184T>C (p.Leu1395Ser)

Gene: SCAPER (S-phase cyclin A associated protein in the ER; minus strand). Cytogenetic location: 15q24.3.
Variant type: single nucleotide variant.
Coding change: c.4184T>C on transcript NM_020843.4 (MANE Select); coding-DNA position 4184, T replaced by C.
Protein change: p.Leu1395Ser; replaces leucine 1395 with serine.
Molecular consequence: missense variant. On other transcripts: non-coding transcript variant (1).
Genome position (GRCh38, 1-based): chr15:76,348,652, A>G on the plus strand (T>C on the coding strand, the complement: SCAPER is on the minus strand). VCF-style: chr15-76348652-A-G. GRCh37 (hg19) VCF-style: chr15-76640993-A-G.
Other names: c.3446T>C, p.Leu1149Ser (NM_001145923.2); c.4202T>C, p.Leu1401Ser (NM_001353009.2); c.3782T>C, p.Leu1261Ser (NM_001353010.2, NM_001353012.2); c.3800T>C, p.Leu1267Ser (NM_001353011.2); c.4202T>C (NM_001353009.1); short protein forms L1261S, L1395S, L1401S, L1149S, L1267S.
Identifiers: ClinVar variation 2610906 (VCV002610906.3), dbSNP rs2040327882, ClinGen allele CA393514307.

ClinVar aggregate classification (germline): Uncertain significance. Review status: criteria provided, multiple submitters, no conflicts (2 of 4 stars). 2 submissions from 2 submitters: Uncertain significance (2). Last evaluated 2025-06-04.

Conditions:
SCAPER-related disorder. Also called: SCAPER-related condition.
Inborn genetic diseases. Identifiers: MedGen C0950123, MeSH D030342.

Allele frequency attached by ClinVar (database versions not stated): TOPMed below 0.00001.
gnomAD v4.1: 1 of 1,548,110 alleles (0.000065%); highest among the groups gnomAD compares: Non-Finnish European, 0.000087%; no homozygotes.

Submissions (2):

PreventionGenetics, part of Exact Sciences
Classification: Uncertain significance for SCAPER-related condition. Last evaluated: 2025-06-04. Review status: criteria provided, single submitter. Criteria: ACMG Guidelines, 2015. Collection method: clinical testing. Allele origin: germline.
Comment: The SCAPER c.4202T>C variant is predicted to result in the amino acid substitution p.Leu1401Ser. To our knowledge, this variant has not been reported in the literature or in a large population database (gnomAD), indicating this variant is rare. At this time, the clinical significance of this variant is uncertain due to the absence of conclusive functional and genetic evidence.

Ambry Genetics
Classification: Uncertain significance for Inborn genetic diseases. Last evaluated: 2023-07-12. Review status: criteria provided, single submitter. Criteria: Ambry Variant Classification Scheme 2023. Collection method: clinical testing. Allele origin: germline.